The following is an entry in ClinVar:

ClinVar aggregate classification (germline): Pathogenic (1 of 4 stars; one submission).

Conditions:
Spastic paraplegia. Identifiers: MedGen C0037772, HP:0001258.

gnomAD v4.1: 1 of 1,614,202 alleles (0.000062%); highest among the groups gnomAD compares: East Asian, 0.0022%; no homozygotes.

Submission:

Labcorp Genetics (formerly Invitae), Labcorp
Classification: Pathogenic for Spastic paraplegia. Last evaluated: 2021-07-04. Review status: criteria provided, single submitter. Criteria: Invitae Variant Classification Sherloc (09022015). Collection method: clinical testing. Allele origin: germline.
Comment: For these reasons, this variant has been classified as Pathogenic. This variant has not been reported in the literature in individuals affected with B4GALNT1-related conditions. This variant is not present in population databases (ExAC no frequency). This sequence change creates a premature translational stop signal (p.Gln221*) in the B4GALNT1 gene. It is expected to result in an absent or disrupted protein product. Loss-of-function variants in B4GALNT1 are known to be pathogenic (PMID: 23746551).

Literature cited by the submitters: PubMed 23746551.

NM_001478.5(B4GALNT1):c.661C>T (p.Gln221Ter)

Gene: B4GALNT1 (beta-1,4-N-acetyl-galactosaminyltransferase 1; minus strand). Cytogenetic location: 12q13.3.
Variant type: single nucleotide variant.
Coding change: c.661C>T on transcript NM_001478.5 (MANE Select); coding-DNA position 661, C replaced by T.
Protein change: p.Gln221Ter; replaces glutamine 221 with a stop codon.
Molecular consequence: nonsense.
Genome position (GRCh38, 1-based): chr12:57,630,203, G>A on the plus strand (C>T on the coding strand, the complement: B4GALNT1 is on the minus strand). VCF-style: chr12-57630203-G-A. GRCh37 (hg19) VCF-style: chr12-58023986-G-A.
Other names: c.496C>T, p.Gln166Ter (NM_001276468.2); c.661C>T, p.Gln221Ter (NM_001276469.2); short protein forms Q166*, Q221*.
Identifiers: ClinVar variation 1452136 (VCV001452136.6), dbSNP rs1410753769, ClinGen allele CA385499615.